The following is an entry in ClinVar:

NM_001394062.1(MACF1):c.4096C>T (p.Arg1366Cys)

Gene: MACF1 (microtubule actin crosslinking factor 1; plus strand). Cytogenetic location: 1p34.3.
Variant type: single nucleotide variant.
Coding change: c.4096C>T on transcript NM_001394062.1 (MANE Select); coding-DNA position 4096, C replaced by T.
Protein change: p.Arg1366Cys; replaces arginine 1366 with cysteine.
Molecular consequence: missense variant.
Genome position (GRCh38, 1-based): chr1:39,322,674, C>T. VCF-style: chr1-39322674-C-T. GRCh37 (hg19) VCF-style: chr1-39788346-C-T.
Other names: c.4111C>T, p.Arg1371Cys (NM_012090.5); short protein forms R1366C, R1371C.
Identifiers: ClinVar variation 5037604 (VCV005037604.1).

ClinVar aggregate classification (germline): Uncertain significance (1 of 4 stars; one submission).

gnomAD v4.1: 10 of 1,614,110 alleles (0.00062%); highest among the groups gnomAD compares: African/African-American, 0.0027%; no homozygotes.

Submission:

GeneDx
Classification: Uncertain significance. Last evaluated: 2026-04-23. Review status: criteria provided, single submitter. Criteria: GeneDx Variant Classification Process June 2021. Collection method: clinical testing. Allele origin: germline.
Comment: In silico analysis supports that this missense variant has a deleterious effect on protein structure/function; Has not been previously published as pathogenic or benign to our knowledge